The following is an entry in ClinVar:

ClinVar aggregate classification (germline): Uncertain significance (1 of 4 stars; one submission).

gnomAD v4.1: 1 of 1,614,074 alleles (0.000062%); highest among the groups gnomAD compares: Admixed American, 0.0017%; no homozygotes.

Submission:

Ambry Genetics
Classification: Uncertain significance. Last evaluated: 2025-05-04. Review status: criteria provided, single submitter. Criteria: Ambry Variant Classification Scheme 2023. Collection method: clinical testing. Allele origin: germline.
Comment: The p.M87I variant (also known as c.261G>A), located in coding exon 1 of the CDK12 gene, results from a G to A substitution at nucleotide position 261. The methionine at codon 87 is replaced by isoleucine, an amino acid with highly similar properties. This amino acid position is conserved. In addition, this alteration is predicted to be tolerated by in silico analysis. Based on the available evidence, the clinical significance of this variant remains unclear.

NM_016507.4(CDK12):c.261G>A (p.Met87Ile)

Genes: CDK12 (cyclin dependent kinase 12; plus strand), LOC126862553 (CDK7 strongly-dependent group 2 enhancer GRCh37_chr17:37618166-37619365; plus strand). Cytogenetic location: 17q12.
Variant type: single nucleotide variant.
Coding change: c.261G>A on transcript NM_016507.4 (MANE Select); coding-DNA position 261, G replaced by A.
Protein change: p.Met87Ile; replaces methionine 87 with isoleucine.
Molecular consequence: missense variant.
Genome position (GRCh38, 1-based): chr17:39,462,332, G>A. VCF-style: chr17-39462332-G-A. GRCh37 (hg19) VCF-style: chr17-37618585-G-A.
Other names: c.261G>A, p.Met87Ile (NM_015083.4); short protein forms M87I.
Identifiers: ClinVar variation 3999426 (VCV003999426.1).
Genomic context (GRCh38, chr17:39,462,332, plus strand): 5'-CAAACCTTTGGTGGAGTATGATGATATCAGCTCTGATTCCGACACCTTCTCCGATGACAT[G>A]GCCTTCAAACTAGACCGAAGGGAGAACGACGAACGTCGTGGATCAGATCGGAGCGACCGC-3'
Protein context (NP_057591.2, residues 77-97): SSDSDTFSDD[Met87Ile]AFKLDRREND